The following is an entry in ClinVar:

ClinVar aggregate classification (germline): Uncertain significance (1 of 4 stars; one submission).

Conditions:
Intellectual developmental disorder, X-linked 1. Also called: MENTAL RETARDATION, X-LINKED 18; MENTAL RETARDATION, X-LINKED 78; Atkin Flaitz Patil Smith syndrome; Intellectual disability, X-linked 1. Identifiers: Orphanet 777, MedGen C2931498, MONDO:0010656, OMIM 309530.

Submission:

Labcorp Genetics (formerly Invitae), Labcorp
Classification: Uncertain significance for Intellectual developmental disorder, X-linked 1. Last evaluated: 2018-10-06. Review status: criteria provided, single submitter. Criteria: Invitae Variant Classification Sherloc (09022015). Collection method: clinical testing. Allele origin: germline.
Comment: This sequence change replaces alanine with threonine at codon 1278 of the IQSEC2 protein (p.Ala1278Thr). The alanine residue is weakly conserved and there is a small physicochemical difference between alanine and threonine. The frequency data for this variant in the population databases is considered unreliable, as metrics indicate insufficient coverage at this position in the ExAC database. This variant has not been reported in the literature in individuals with IQSEC2-related disease. Algorithms developed to predict the effect of missense changes on protein structure and function (SIFT, PolyPhen-2, Align-GVGD) all suggest that this variant is likely to be tolerated, but these predictions have not been confirmed by published functional studies and their clinical significance is uncertain. In summary, the available evidence is currently insufficient to determine the role of this variant in disease. Therefore, it has been classified as a Variant of Uncertain Significance.

NM_001111125.3(IQSEC2):c.3832G>A (p.Ala1278Thr)

Gene: IQSEC2 (IQ motif and Sec7 domain ArfGEF 2; minus strand). Cytogenetic location: Xp11.22.
Variant type: single nucleotide variant.
Coding change: c.3832G>A on transcript NM_001111125.3 (MANE Select); coding-DNA position 3832, G replaced by A.
Protein change: p.Ala1278Thr; replaces alanine 1278 with threonine.
Molecular consequence: missense variant. On other transcripts: 3 prime UTR variant (1).
Genome position (GRCh38, 1-based): chrX:53,234,854, C>T on the plus strand (G>A on the coding strand, the complement: IQSEC2 is on the minus strand). VCF-style: chrX-53234854-C-T. GRCh37 (hg19) VCF-style: chrX-53264036-C-T.
Other names: c.*317G>A (NM_015075.2); short protein forms A1278T.
Identifiers: ClinVar variation 644370 (VCV000644370.9), dbSNP rs1602257496, ClinGen allele CA413140566.
Genomic context (GRCh38, chrX:53,234,854, plus strand): 5'-GGGGCTGCTGGGGAGGTGGGGGAAGAGAGGGCTGCTGGGGTGGGAGGTAGGGTGGCGGGG[C>T]AGGGCCCGGTCCTTGGCAATACTGGGCATGCAGGGCCTGGAGCTTGGACTGCCCATCAGG-3'
Protein context (NP_001104595.1, residues 1268-1288): HAQYCQGPGP[Ala1278Thr]PPPYLPPQQP